The following is an entry in ClinVar:

NM_001042492.3(NF1):c.1182T>A (p.Phe394Leu)

Gene: NF1 (neurofibromin 1; plus strand). Cytogenetic location: 17q11.2.
Variant type: single nucleotide variant.
Coding change: c.1182T>A on transcript NM_001042492.3 (MANE Select); coding-DNA position 1182, T replaced by A.
Protein change: p.Phe394Leu; replaces phenylalanine 394 with leucine.
Molecular consequence: missense variant.
Genome position (GRCh38, 1-based): chr17:31,201,156, T>A. VCF-style: chr17-31201156-T-A. GRCh37 (hg19) VCF-style: chr17-29528174-T-A.
Other names: c.1182T>A, p.Phe394Leu (NM_000267.4, NM_001128147.3); short protein forms F394L.
Identifiers: ClinVar variation 2133326 (VCV002133326.4), dbSNP rs786202581, ClinGen allele CA398997351.
Genomic context (GRCh38, chr17:31,201,156, plus strand): 5'-TCTAATGATTGACTGCCTTGTTTCTTGCTTTCGTATAAGCCCTCACAACAACCAACACTT[T>A]AAGGTGAGAGCATTGGTTTTTATCTAACTATATTTACTGATGCTGTTATCCTTTATAAAC-3'
Protein context (NP_001035957.1, residues 384-404): FRISPHNNQH[Phe394Leu]KICLAQNSPS

ClinVar aggregate classification (germline): Uncertain significance (1 of 4 stars; one submission).

Conditions:
Neurofibromatosis, type 1 (NF1). Also called: Peripheral type neurofibromatosis; NEUROFIBROMATOSIS, TYPE I, SOMATIC; Neurofibromatosis, type I; VON RECKLINGHAUSEN DISEASE. Identifiers: Orphanet 636, MedGen C0027831, MONDO:0018975, OMIM 162200. Disease mechanism: loss of function.

Submission:

Labcorp Genetics (formerly Invitae), Labcorp
Classification: Uncertain significance for Neurofibromatosis, type 1. Last evaluated: 2022-05-04. Review status: criteria provided, single submitter. Criteria: Invitae Variant Classification Sherloc (09022015). Collection method: clinical testing. Allele origin: germline.
Comment: This sequence change replaces phenylalanine, which is neutral and non-polar, with leucine, which is neutral and non-polar, at codon 394 of the NF1 protein (p.Phe394Leu). This variant is not present in population databases (gnomAD no frequency). This variant has not been reported in the literature in individuals affected with NF1-related conditions. Advanced modeling of protein sequence and biophysical properties (such as structural, functional, and spatial information, amino acid conservation, physicochemical variation, residue mobility, and thermodynamic stability) performed at Invitae indicates that this missense variant is not expected to disrupt NF1 protein function. In summary, the available evidence is currently insufficient to determine the role of this variant in disease. Therefore, it has been classified as a Variant of Uncertain Significance.